The following is an entry in ClinVar:

ClinVar aggregate classification (germline): Conflicting classifications of pathogenicity. Review status: criteria provided, conflicting classifications (1 of 4 stars). 3 submissions from 3 submitters: Uncertain significance (1); Likely benign (2). Last evaluated 2025-06-04.

Conditions:
Hereditary cancer-predisposing syndrome. Also called: Neoplastic Syndromes, Hereditary; Hereditary neoplastic syndrome; Tumor predisposition; Hereditary Cancer Syndrome. Identifiers: Orphanet 140162, MedGen C0027672, MeSH D009386, MONDO:0015356.
Breast-ovarian cancer, familial, susceptibility to, 4. Identifiers: Orphanet 145, MedGen C3280345, MONDO:0013669, OMIM 614291.

Allele frequency attached by ClinVar (database versions not stated): gnomAD exomes below 0.00001.

Submissions (3):

Labcorp Genetics (formerly Invitae), Labcorp
Classification: Likely benign for Breast-ovarian cancer, familial, susceptibility to, 4. Last evaluated: 2025-06-04. Review status: criteria provided, single submitter. Criteria: Invitae Variant Classification Sherloc (09022015). Collection method: clinical testing. Allele origin: germline.

Quest Diagnostics Nichols Institute San Juan Capistrano
Classification: Uncertain significance. Last evaluated: 2024-02-14. Review status: criteria provided, single submitter. Criteria: Quest Diagnostics criteria. Collection method: clinical testing. Allele origin: unknown.
Comment: The RAD51D c.346-9C>A variant has not been reported in individuals with RAD51D-related conditions in the published literature. It also has not been reported in large, multi-ethnic general populations (Genome Aggregation Database). Analysis of this variant using software algorithms for the prediction of the effect of nucleotide changes on RAD51D mRNA splicing yielded inconclusive findings. Based on the available information, we are unable to determine the clinical significance of this variant.

Color Diagnostics, LLC DBA Color Health
Classification: Likely benign for Hereditary cancer-predisposing syndrome. Last evaluated: 2016-02-29. Review status: criteria provided, single submitter. Criteria: ACMG Guidelines, 2015. Collection method: clinical testing. Allele origin: germline.

NM_002878.4(RAD51D):c.346-9C>A

Genes: RAD51L3-RFFL (RAD51L3-RFFL readthrough; minus strand), RAD51D (RAD51 paralog D; minus strand). Cytogenetic location: 17q12.
Variant type: single nucleotide variant.
Coding change: c.346-9C>A on transcript NM_002878.4 (MANE Select); 9 bases into the intron before coding-DNA position 346, C replaced by A.
Molecular consequence: intron variant.
Genome position (GRCh38, 1-based): chr17:35,107,131, G>T on the plus strand (C>A on the coding strand, the complement: RAD51D is on the minus strand). VCF-style: chr17-35107131-G-T. GRCh37 (hg19) VCF-style: chr17-33434150-G-T.
Other names: c.145-650C>A (NM_133629.3); c.406-9C>A (NM_001142571.2).
Identifiers: ClinVar variation 239397 (VCV000239397.11), dbSNP rs878854563, ClinGen allele CA10583534.
Genomic context (GRCh38, chr17:35,107,131, plus strand): 5'-GGACGTTTTGCTGCAGGCCATGGGCCACATTTGCTGCCATACAGAGACATACCTGGGGGT[G>T]GGGGCATTGGATGAACTTGACACTTCAGAGAGGGTCCAGATGGGAGCTCCCCACCAAACC-3'